The following is an entry in ClinVar:

NM_006231.4(POLE):c.6581A>T (p.Tyr2194Phe)

Gene: POLE (DNA polymerase epsilon, catalytic subunit; minus strand). Cytogenetic location: 12q24.33.
Variant type: single nucleotide variant.
Coding change: c.6581A>T on transcript NM_006231.4 (MANE Select); coding-DNA position 6581, A replaced by T.
Protein change: p.Tyr2194Phe; replaces tyrosine 2194 with phenylalanine.
Molecular consequence: missense variant.
Genome position (GRCh38, 1-based): chr12:132,625,721, T>A on the plus strand (A>T on the coding strand, the complement: POLE is on the minus strand). VCF-style: chr12-132625721-T-A. GRCh37 (hg19) VCF-style: chr12-133202307-T-A.
Other names: short protein forms Y2194F.
Identifiers: ClinVar variation 573222 (VCV000573222.10), dbSNP rs1060500872, ClinGen allele CA387366735.
Genomic context (GRCh38, chr12:132,625,721, plus strand): 5'-AAGGCCATCAGCTTCTTCTGTAGAACTTCCACCAGCGTCATCTCGATGGCAGAGGAGTCG[T>A]AGGGCGCCTGACAGTTGGAGCAGAGCCACTGAGGCAGGACCGCCCCATCCTAGGCAGAGC-3'
Protein context (NP_006222.2, residues 2184-2204): QWLCSNCQAP[Tyr2194Phe]DSSAIEMTLV

ClinVar aggregate classification (germline): Uncertain significance (1 of 4 stars; one submission).

Submission:

Labcorp Genetics (formerly Invitae), Labcorp
Classification: Uncertain significance. Last evaluated: 2020-03-03. Review status: criteria provided, single submitter. Criteria: Invitae Variant Classification Sherloc (09022015). Collection method: clinical testing. Allele origin: germline.
Comment: This sequence change replaces tyrosine with phenylalanine at codon 2194 of the POLE protein (p.Tyr2194Phe). The tyrosine residue is moderately conserved and there is a small physicochemical difference between tyrosine and phenylalanine. This variant is not present in population databases (ExAC no frequency). This variant has not been reported in the literature in individuals with POLE-related disease. Algorithms developed to predict the effect of missense changes on protein structure and function are either unavailable or do not agree on the potential impact of this missense change (SIFT: "Tolerated"; PolyPhen-2: "Probably Damaging"; Align-GVGD: "Class C0"). In summary, the available evidence is currently insufficient to determine the role of this variant in disease. Therefore, it has been classified as a Variant of Uncertain Significance.